The following is an entry in ClinVar:

NM_000091.5(COL4A3):c.2057G>A (p.Gly686Asp)

Genes: COL4A3 (collagen type IV alpha 3 chain; plus strand), MFF-DT (MFF divergent transcript; minus strand). Cytogenetic location: 2q36.3.
Variant type: single nucleotide variant.
Coding change: c.2057G>A on transcript NM_000091.5 (MANE Select); coding-DNA position 2057, G replaced by A.
Protein change: p.Gly686Asp; replaces glycine 686 with aspartic acid.
Molecular consequence: missense variant.
Genome position (GRCh38, 1-based): chr2:227,277,485, G>A. VCF-style: chr2-227277485-G-A. GRCh37 (hg19) VCF-style: chr2-228142201-G-A.
Other names: short protein forms G686D.
Identifiers: ClinVar variation 2572431 (VCV002572431.1), dbSNP rs2469731818, ClinGen allele CA350846774.

ClinVar aggregate classification (germline): Uncertain significance (1 of 4 stars; one submission).

Conditions:
Autosomal recessive Alport syndrome (ATS2). Also called: Alport syndrome type 2; ALPORT SYNDROME 2, AUTOSOMAL RECESSIVE; COL4A3-Related Nephropathy; COL4A4 Alport Syndrome and Thin Basement Membrane Nephropathy. Identifiers: Orphanet 63, Orphanet 88919, MedGen C4746745, MONDO:0008762, OMIM 203780.

Submission:

3billion
Classification: Uncertain significance for Autosomal recessive Alport syndrome. Review status: criteria provided, single submitter. Criteria: ACMG Guidelines, 2015. Collection method: clinical testing. Allele origin: unknown. Affected: yes. Observed: 1 heterozygote.
Comment: The variant is not observed in the gnomAD v2.1.1 dataset. The variant is located in a mutational hot spot and/or well-established functional domain in which established pathogenic variants have been reported (PMID:.30311386, 27627812). In silico tool predictions suggest damaging effect of the variant on gene or gene product (REVEL: 0.97; 3Cnet: 0.94). Therefore, this variant is classified as Uncertain significance according to the recommendation of ACMG/AMP guideline.

Literature cited by the submitters: PubMed 27627812; PubMed 30311386.